The following is an entry in ClinVar:

NM_144973.4(DENND5B):c.3746C>G (p.Ser1249Cys)

Gene: DENND5B (DENN domain containing 5B; minus strand). Cytogenetic location: 12p11.21.
Variant type: single nucleotide variant.
Coding change: c.3746C>G on transcript NM_144973.4 (MANE Select); coding-DNA position 3746, C replaced by G.
Protein change: p.Ser1249Cys; replaces serine 1249 with cysteine.
Molecular consequence: missense variant.
Genome position (GRCh38, 1-based): chr12:31,387,682, G>C on the plus strand (C>G on the coding strand, the complement: DENND5B is on the minus strand). VCF-style: chr12-31387682-G-C. GRCh37 (hg19) VCF-style: chr12-31540616-G-C.
Other names: c.3851C>G, p.Ser1284Cys (NM_001308339.2); short protein forms S1249C, S1284C.
Identifiers: ClinVar variation 4875012 (VCV004875012.2).

ClinVar aggregate classification (germline): Uncertain significance (1 of 4 stars; one submission).

Submission:

CeGaT Center for Human Genetics Tuebingen
Classification: Uncertain significance. Last evaluated: 2026-05-01. Review status: criteria provided, single submitter. Criteria: CeGaT Center For Human Genetics Tuebingen Variant Classification Criteria Version 2. Collection method: clinical testing. Allele origin: germline. Affected: yes. Observed: 1 variant allele.
Comment: DENND5B: PM2